The following is an entry in ClinVar:

ClinVar aggregate classification (germline): Uncertain significance (1 of 4 stars; one submission).

Allele frequency attached by ClinVar (database versions not stated): ExAC 0.00001; gnomAD 0.00001; gnomAD exomes 0.00001 and 0.00002.
gnomAD v4.1: 10 of 1,613,364 alleles (0.00062%); highest among the groups gnomAD compares: Non-Finnish European, 0.00017%; no homozygotes.

Submission:

Labcorp Genetics (formerly Invitae), Labcorp
Classification: Uncertain significance. Last evaluated: 2021-12-15. Review status: criteria provided, single submitter. Criteria: Invitae Variant Classification Sherloc (09022015). Collection method: clinical testing. Allele origin: germline.
Comment: This sequence change replaces tyrosine, which is neutral and polar, with aspartic acid, which is acidic and polar, at codon 460 of the ERCC6 protein (p.Tyr460Asp). This variant is present in population databases (rs760280622, gnomAD 0.02%). This variant has not been reported in the literature in individuals affected with ERCC6-related conditions. Algorithms developed to predict the effect of missense changes on protein structure and function (SIFT, PolyPhen-2, Align-GVGD) all suggest that this variant is likely to be disruptive. In summary, the available evidence is currently insufficient to determine the role of this variant in disease. Therefore, it has been classified as a Variant of Uncertain Significance.

NM_000124.4(ERCC6):c.1378T>G (p.Tyr460Asp)

Genes: ERCC6 (ERCC excision repair 6, chromatin remodeling factor; minus strand), PGBD3 (piggyBac transposable element derived 3; minus strand). Cytogenetic location: 10q11.23.
Variant type: single nucleotide variant.
Coding change: c.1378T>G on transcript NM_000124.4 (MANE Select); coding-DNA position 1378, T replaced by G.
Protein change: p.Tyr460Asp; replaces tyrosine 460 with aspartic acid.
Molecular consequence: missense variant. On other transcripts: 5 prime UTR variant (1).
Genome position (GRCh38, 1-based): chr10:49,524,052, A>C on the plus strand (T>G on the coding strand, the complement: ERCC6 is on the minus strand). VCF-style: chr10-49524052-A-C. GRCh37 (hg19) VCF-style: chr10-50732098-A-C.
Other names: c.1378T>G, p.Tyr460Asp (NM_001277058.2, NM_001277059.2, NM_001346440.2); c.-27T>G (NM_170753.3); short protein forms Y460D.
Identifiers: ClinVar variation 1435032 (VCV001435032.3), dbSNP rs760280622, ClinGen allele CA5496339.